The following is an entry in ClinVar:

NM_015331.3(NCSTN):c.86-6G>T

Gene: NCSTN (nicastrin; plus strand). Cytogenetic location: 1q23.2.
Variant type: single nucleotide variant.
Coding change: c.86-6G>T on transcript NM_015331.3 (MANE Select); 6 bases into the intron before coding-DNA position 86, G replaced by T.
Molecular consequence: intron variant.
Genome position (GRCh38, 1-based): chr1:160,344,716, G>T. VCF-style: chr1-160344716-G-T. GRCh37 (hg19) VCF-style: chr1-160314506-G-T.
Other names: c.26-6G>T (NM_001290184.2); c.86-6G>T (NM_001349729.2, NM_001290186.2).
Identifiers: ClinVar variation 1306070 (VCV001306070.2), dbSNP rs200645900, ClinGen allele CA2573051403.

ClinVar aggregate classification (germline): Uncertain significance (1 of 4 stars; one submission).

Submission:

GeneDx
Classification: Uncertain significance. Last evaluated: 2019-06-12. Review status: criteria provided, single submitter. Criteria: GeneDx Variant Classification Process June 2021. Collection method: clinical testing. Allele origin: germline. Affected: yes.
Comment: Not observed in large population cohorts (Lek et al., 2016); In silico analysis, which includes splice predictors and evolutionary conservation, supports that this variant does not alter protein structure/function; Nucleotide substitution has no predicted effect on splicing and is not conserved across species